The following is an entry in ClinVar:

ClinVar aggregate classification (germline): Benign. Review status: criteria provided, multiple submitters, no conflicts (2 of 4 stars). 3 submissions from 2 submitters: Benign (3). Last evaluated 2023-03-01.

Conditions:
Craniosynostosis 2 (CRS2). Also called: Warman-Mulliken-Hayward syndrome; Craniosynostosis Warman type; Craniosynostosis Boston type. Identifiers: Orphanet 1541, MedGen C1858160, MONDO:0011481, OMIM 604757.
Parietal foramina 1 (PFM1). Also called: FORAMINA PARIETALIA PERMAGNA; PARIETAL FORAMINA, SYMMETRIC. Identifiers: Orphanet 60015, MedGen C1868599, MONDO:0008197, OMIM 168500.

Allele frequency attached by ClinVar (database versions not stated): 1000 Genomes Project 0.00319; 1000 Genomes Project 30x 0.00328; TOPMed 0.00432; gnomAD 0.00532 and 0.00560.

Submissions (3):

CeGaT Center for Human Genetics Tuebingen
Classification: Benign. Last evaluated: 2023-03-01. Review status: criteria provided, single submitter. Criteria: CeGaT Center For Human Genetics Tuebingen Variant Classification Criteria Version 2. Collection method: clinical testing. Allele origin: germline. Affected: yes. Observed: 1 variant allele.
Comment: MSX2: BS1, BS2

Illumina Laboratory Services, Illumina
Classification: Benign for Parietal foramina 1. Last evaluated: 2018-01-12. Review status: criteria provided, single submitter. Criteria: ICSL Variant Classification Criteria 13 December 2019. Collection method: clinical testing. Allele origin: germline.
Comment: This variant was observed in the ICSL laboratory as part of a predisposition screen in an ostensibly healthy population. It had not been previously curated by ICSL or reported in the Human Gene Mutation Database (HGMD: prior to June 1st, 2018), and was therefore a candidate for classification through an automated scoring system. Utilizing variant allele frequency, disease prevalence and penetrance estimates, and inheritance mode, an automated score was calculated to assess if this variant is too frequent to cause the disease. Based on the score and internal cut-off values, a variant classified as benign is not then subjected to further curation. The score for this variant resulted in a classification of benign for this disease.

Illumina Laboratory Services, Illumina
Classification: Benign for Craniosynostosis 2. Last evaluated: 2018-01-12. Review status: criteria provided, single submitter. Criteria: ICSL Variant Classification Criteria 13 December 2019. Collection method: clinical testing. Allele origin: germline.
Comment: the same text as in the submission from Illumina Laboratory Services, Illumina above.

NM_002449.5(MSX2):c.*466G>A

Gene: MSX2 (msh homeobox 2; plus strand). Cytogenetic location: 5q35.2.
Variant type: single nucleotide variant.
Coding change: c.*466G>A on transcript NM_002449.5 (MANE Select); 466 bases downstream of the stop codon, G replaced by A.
Molecular consequence: 3 prime UTR variant.
Genome position (GRCh38, 1-based): chr5:174,730,049, G>A. VCF-style: chr5-174730049-G-A. GRCh37 (hg19) VCF-style: chr5-174157052-G-A.
Other names: c.*894G>A (NM_001363626.2).
Identifiers: ClinVar variation 907505 (VCV000907505.28), dbSNP rs148083483, ClinGen allele CA132701511.